The following is an entry in ClinVar:

NM_000492.4(CFTR):c.386T>G (p.Leu129Arg)

Gene: CFTR (CF transmembrane conductance regulator; plus strand). Cytogenetic location: 7q31.2.
Variant type: single nucleotide variant.
Coding change: c.386T>G on transcript NM_000492.4 (MANE Select); coding-DNA position 386, T replaced by G.
Protein change: p.Leu129Arg; replaces leucine 129 with arginine.
Molecular consequence: missense variant.
Genome position (GRCh38, 1-based): chr7:117,531,011, T>G. VCF-style: chr7-117531011-T-G. GRCh37 (hg19) VCF-style: chr7-117171065-T-G.
Other names: short protein forms L129R.
Identifiers: ClinVar variation 2567891 (VCV002567891.3), dbSNP rs1162745955, ClinGen allele CA368974571.

ClinVar aggregate classification (germline): Conflicting classifications of pathogenicity. Review status: criteria provided, conflicting classifications (1 of 4 stars). 2 submissions from 2 submitters: Likely pathogenic (1); Uncertain significance (1). Last evaluated 2024-03-01.

Conditions:
Cystic fibrosis (CF). Also called: MUCOVISCIDOSIS. Identifiers: Orphanet 586, MedGen C0010674, MONDO:0009061, OMIM 219700. Disease mechanism: loss of function.

Submissions (2):

Johns Hopkins Genomics, Johns Hopkins University
Classification: Likely pathogenic for Cystic fibrosis. Last evaluated: 2024-03-01. Review status: criteria provided, single submitter. Criteria: ACMG Guidelines, 2015. Collection method: clinical testing. Allele origin: germline.
Comment: CFTR c.386T>G is absent from a large population dataset and has not been reported in the literature, to our knowledge. BayPR, an algorithm developed and validated by the CFTR2 project that uses population data to assign disease liability to variants, predicts that this variant is likely to be CF-causing (>97% probability of being CF-causing). It has an entry in ClinVar (Variation ID:2567891). Three bioinformatic tools queried predict that this missense substitution would be damaging and the leucine residue at this position is evolutionarily conserved across all species assessed except one. We consider CFTR c.386T>G to be likely pathogenic.

Ambry Genetics
Classification: Uncertain significance for Cystic fibrosis. Last evaluated: 2023-05-21. Review status: criteria provided, single submitter. Criteria: Ambry Variant Classification Scheme 2023. Collection method: clinical testing. Allele origin: germline.
Comment: The p.L129R variant (also known as c.386T>G), located in coding exon 4 of the CFTR gene, results from a T to G substitution at nucleotide position 386. The leucine at codon 129 is replaced by arginine, an amino acid with dissimilar properties. This amino acid position is conserved. In addition, this alteration is predicted to be deleterious by in silico analysis. Since supporting evidence is limited at this time, the clinical significance of this alteration remains unclear.